The following is an entry in ClinVar:

ClinVar aggregate classification (germline): Uncertain significance (1 of 4 stars; one submission).

Conditions:
Floating-Harbor syndrome (FLHS). Also called: SRCAP-Related Floating-Harbor Syndrome; Short stature with delayed bone age, expressive language delay, a triangular face with a prominent nose and deep-set eyes; Pelletier-Leisti syndrome. Identifiers: Orphanet 2044, MedGen C0729582, MONDO:0007621, OMIM 136140.

Allele frequency attached by ClinVar (database versions not stated): ExAC 0.00001; gnomAD exomes 0.00001; gnomAD 0.00003; TOPMed 0.00008.
gnomAD v4.1: 24 of 1,613,922 alleles (0.0015%); highest among the groups gnomAD compares: Non-Finnish European, 0.0019%; no homozygotes.

Submission:

Baylor Genetics
Classification: Uncertain significance for Floating-Harbor syndrome. Last evaluated: 2018-11-16. Review status: criteria provided, single submitter. Criteria: ACMG Guidelines, 2015. Collection method: clinical testing. Allele origin: maternal. Affected: yes.
Comment: This variant was determined to be of uncertain significance according to ACMG Guidelines, 2015 [PMID:25741868].

NM_006662.3(SRCAP):c.3721C>T (p.Leu1241Phe)

Gene: SRCAP (Snf2 related CREBBP activator protein; plus strand). Cytogenetic location: 16p11.2.
Variant type: single nucleotide variant.
Coding change: c.3721C>T on transcript NM_006662.3 (MANE Select); coding-DNA position 3721, C replaced by T.
Protein change: p.Leu1241Phe; replaces leucine 1241 with phenylalanine.
Molecular consequence: missense variant.
Genome position (GRCh38, 1-based): chr16:30,722,577, C>T. VCF-style: chr16-30722577-C-T. GRCh37 (hg19) VCF-style: chr16-30733898-C-T.
Other names: short protein forms L1241F.
Identifiers: ClinVar variation 1033133 (VCV001033133.1), dbSNP rs202233790, ClinGen allele CA8011567.